The following is an entry in ClinVar:

ClinVar aggregate classification (germline): Uncertain significance. Review status: criteria provided, multiple submitters, no conflicts (2 of 4 stars). 3 submissions from 3 submitters: Uncertain significance (3). Last evaluated 2024-04-25.

Conditions:
Autosomal recessive limb-girdle muscular dystrophy type 2J (LGMDR10). Also called: MUSCULAR DYSTROPHY, LIMB-GIRDLE, AUTOSOMAL RECESSIVE 10; Limb-girdle muscular dystrophy, type 2J. Identifiers: Orphanet 140922, MedGen C1837342, MONDO:0012127, OMIM 608807.
Dilated cardiomyopathy 1G (CMD1G). Identifiers: Orphanet 154, MedGen C1858763, MONDO:0011400, OMIM 604145.
Tibial muscular dystrophy (TMD). Also called: Tibial muscular dystrophy, tardive; Udd Distal Myopathy – Tibial Muscular Dystrophy; UDD MYOPATHY. Identifiers: Orphanet 609, MedGen C1838244, MONDO:0010870, OMIM 600334.
Myopathy, myofibrillar, 9, with early respiratory failure (MFM9). Also called: Myopathy, distal, with early respiratory failure, autosomal dominant; EDSTROM MYOPATHY; MYOPATHY, PROXIMAL, WITH EARLY RESPIRATORY MUSCLE INVOLVEMENT; Hereditary myopathy with early respiratory failure. Identifiers: Orphanet 178464, Orphanet 34521, MedGen C1863599, MONDO:0011362, OMIM 603689.
Early-onset myopathy with fatal cardiomyopathy (CMYO5). Also called: CONGENITAL MYOPATHY 5 WITH CARDIOMYOPATHY; Salih Myopathy. Identifiers: Orphanet 289377, MedGen C2673677, MONDO:0012714, OMIM 611705. Disease mechanism: loss of function.
Hypertrophic cardiomyopathy 9. Also called: Familial hypertrophic cardiomyopathy 9. Identifiers: MedGen C1861065, MONDO:0013412, OMIM 613765.

Allele frequency attached by ClinVar (database versions not stated): gnomAD exomes below 0.00001 and 0.00001; ExAC 0.00001; gnomAD 0.00001; TOPMed 0.00001.
gnomAD v4.1: 8 of 1,613,612 alleles (0.0005%); highest among the groups gnomAD compares: Non-Finnish European, 0.00068%; no homozygotes.

Submissions (3):

Fulgent Genetics
Classification: Uncertain significance for Tibial muscular dystrophy; Myopathy, myofibrillar, 9, with early respiratory failure; Dilated cardiomyopathy 1G; Autosomal recessive limb-girdle muscular dystrophy type 2J; Early-onset myopathy with fatal cardiomyopathy; Hypertrophic cardiomyopathy 9. Last evaluated: 2024-04-25. Review status: criteria provided, single submitter. Criteria: ACMG Guidelines, 2015. Collection method: clinical testing. Allele origin: germline.

Labcorp Genetics (formerly Invitae), Labcorp
Classification: Uncertain significance for Dilated cardiomyopathy 1G; Autosomal recessive limb-girdle muscular dystrophy type 2J. Last evaluated: 2017-10-13. Review status: criteria provided, single submitter. Criteria: Invitae Variant Classification Sherloc (09022015). Collection method: clinical testing. Allele origin: germline.

Laboratory for Molecular Medicine, Mass General Brigham Personalized Medicine
Classification: Uncertain significance. Last evaluated: 2014-03-21. Review status: criteria provided, single submitter. Criteria: LMM Criteria. Collection method: clinical testing. Allele origin: germline. Observed: 1 variant allele.
Comment: The Asn23814Thr variant in TTN has not been previously reported in individuals w ith cardiomyopathy and was absent from large population studies. Computational p rediction tools and conservation analysis do not provide strong support for or a gainst an impact to the protein. Additional information is needed to fully asses s the clinical significance of the Asn23814Thr variant.

NM_001267550.2(TTN):c.79145A>C (p.Asn26382Thr)

Genes: TTN (titin; minus strand), TTN-AS1 (TTN antisense RNA 1; plus strand). Cytogenetic location: 2q31.2.
Variant type: single nucleotide variant.
Coding change: c.79145A>C on transcript NM_001267550.2 (MANE Select); coding-DNA position 79145, A replaced by C.
Protein change: p.Asn26382Thr; replaces asparagine 26382 with threonine.
Molecular consequence: missense variant.
Genome position (GRCh38, 1-based): chr2:178,566,987, T>G on the plus strand (A>C on the coding strand, the complement: TTN is on the minus strand). VCF-style: chr2-178566987-T-G. GRCh37 (hg19) VCF-style: chr2-179431714-T-G.
Other names: c.71441A>C, p.Asn23814Thr (NM_133378.4); c.74222A>C, p.Asn24741Thr (NM_001256850.1); c.51950A>C, p.Asn17317Thr (NM_003319.4); c.52325A>C, p.Asn17442Thr (NM_133432.3); c.52526A>C, p.Asn17509Thr (NM_133437.4); short protein forms N23814T, N26382T, N17317T, N17442T, N24741T, N17509T.
Identifiers: ClinVar variation 179680 (VCV000179680.8), dbSNP rs727505049, ClinGen allele CA184918.
Genomic context (GRCh38, chr2:178,566,987, plus strand): 5'-GAGTCTTTGGCAATATTTGTGACTTCCAAGCTTTTTGGTGGTCCAGGAAGCACAAATGGA[T>G]TTTTCATTAGTACTGGTGCAGATTCCAAAGGCTCTCCAACACCATATTTGTTGACAGCCA-3'
Protein context (NP_001254479.2, residues 26372-26392): PLESAPVLMK[Asn26382Thr]PFVLPGPPKS